The following is an entry in ClinVar:

ClinVar aggregate classification (germline): Uncertain significance (1 of 4 stars; one submission).

Submission:

Labcorp Genetics (formerly Invitae), Labcorp
Classification: Uncertain significance. Last evaluated: 2025-10-12. Review status: criteria provided, single submitter. Criteria: Invitae Variant Classification Sherloc (09022015). Collection method: clinical testing. Allele origin: germline.
Comment: This variant, c.1146_1157dup, results in the insertion of 4 amino acid(s) of the TAOK2 protein (p.Glu389_Glu392dup), but otherwise preserves the integrity of the reading frame. The frequency data for this variant in the population databases is considered unreliable, as metrics indicate poor data quality at this position in the gnomAD database. This variant has not been reported in the literature in individuals affected with TAOK2-related conditions. In summary, the available evidence is currently insufficient to determine the role of this variant in disease. Therefore, it has been classified as a Variant of Uncertain Significance.

NM_016151.4(TAOK2):c.1140GGA[10] (p.Glu392_Gly393insGluGluGluGlu)

Gene: TAOK2 (TAO kinase 2; plus strand). Cytogenetic location: 16p11.2.
Variant type: Microsatellite.
Coding change: c.1140GGA[10] on transcript NM_016151.4 (MANE Select); ten copies in a row of the 3-base unit GGA starting at c.1140; the reference has six copies in a row; four copies, 12 bases duplicated.
Protein change: p.Glu392_Gly393insGluGluGluGlu.
Molecular consequence: inframe insertion.
Genome position (GRCh38, 1-based): chr16:29,983,218-29,983,229, GGAGGAGGAGGA duplicated; duplicating any 12 consecutive bases within chr16:29,983,210-29,983,229 gives the same sequence; the position shown is the placement nearest the transcript's 3' end. VCF-style (leftmost placement, unchanged base first): chr16-29983209-A-AGAGGAGGAGGAG. GRCh37 (hg19) VCF-style: chr16-29994530-A-AGAGGAGGAGGAG.
Other names: c.1140GGA[10], p.Glu392_Gly393insGluGluGluGlu (NM_001252043.2, NM_004783.4).
Identifiers: ClinVar variation 1933902 (VCV001933902.5), dbSNP rs368747234, ClinGen allele CA7998054.